The following is an entry in ClinVar:

ClinVar aggregate classification (germline): Benign/Likely benign. Review status: criteria provided, multiple submitters, no conflicts (2 of 4 stars). 6 submissions from 6 submitters: Benign (2); Likely benign (3). 1 of the submissions does not count toward it. Last evaluated 2026-05-01.

Conditions:
KATNB1-related disorder. Also called: KATNB1-related condition.

Allele frequency attached by ClinVar (database versions not stated): 1000 Genomes Project 0.00240; 1000 Genomes Project 30x 0.00281; ExAC 0.00475; gnomAD 0.00483 and 0.00490; gnomAD exomes 0.00486 and 0.00670; ESP Exome Variant Server 0.00545; TOPMed 0.00547.

Submissions (22):

CeGaT Center for Human Genetics Tuebingen
Classification: Likely benign. Last evaluated: 2026-05-01. Review status: criteria provided, single submitter. Criteria: CeGaT Center For Human Genetics Tuebingen Variant Classification Criteria Version 2. Collection method: clinical testing. Allele origin: germline. Affected: yes. Observed: 11 variant alleles.
Comment: KATNB1: BP4, BS2

Labcorp Genetics (formerly Invitae), Labcorp
Classification: Benign. Last evaluated: 2026-01-27. Review status: criteria provided, single submitter. Criteria: Invitae Variant Classification Sherloc (09022015). Collection method: clinical testing. Allele origin: germline.

GeneDx
Classification: Benign. Last evaluated: 2020-12-18. Review status: criteria provided, single submitter. Criteria: GeneDx Variant Classification Process June 2021. Collection method: clinical testing. Allele origin: germline. Affected: yes.

Genetic Services Laboratory, University of Chicago
Classification: Likely benign. Last evaluated: 2016-12-01. Review status: criteria provided, single submitter. Criteria: ACMG Guidelines, 2015. Collection method: clinical testing. Allele origin: germline. Affected: no.

Breakthrough Genomics
Classification: Likely benign. Review status: criteria provided, single submitter. Criteria: ACMG Guidelines, 2015. Collection method: not provided. Allele origin: germline. Inheritance: Autosomal recessive inheritance. Affected: yes.

PreventionGenetics, part of Exact Sciences
Classification: Benign for KATNB1-related condition. Last evaluated: 2019-12-30. Review status: no assertion criteria provided. Collection method: clinical testing. Allele origin: germline. Not counted in ClinVar's aggregate classification.
Comment: This variant is classified as benign based on ACMG/AMP sequence variant interpretation guidelines (Richards et al. 2015 PMID: 25741868, with internal and published modifications).

Dr. Peter K. Rogan Lab, Western University
No classification provided (evidence only). Condition: Clear cell carcinoma of kidney. Review status: no classification provided. Collection method: in vitro. Allele origin: not applicable. Functional consequence: retained intron. Not counted in ClinVar's aggregate classification.

Dr. Peter K. Rogan Lab, Western University
No classification provided (evidence only). Condition: Familial cancer of breast. Review status: no classification provided. Collection method: in vitro. Allele origin: not applicable. Functional consequence: retained intron. Not counted in ClinVar's aggregate classification.

Dr. Peter K. Rogan Lab, Western University
No classification provided (evidence only). Condition: Familial cancer of breast. Review status: no classification provided. Collection method: in vitro. Allele origin: not applicable. Functional consequence: retained intron. Not counted in ClinVar's aggregate classification.

Dr. Peter K. Rogan Lab, Western University
No classification provided (evidence only). Condition: Familial cancer of breast. Review status: no classification provided. Collection method: in vitro. Allele origin: not applicable. Functional consequence: retained intron. Not counted in ClinVar's aggregate classification.

Dr. Peter K. Rogan Lab, Western University
No classification provided (evidence only). Condition: Familial cancer of breast. Review status: no classification provided. Collection method: in vitro. Allele origin: not applicable. Functional consequence: retained intron. Not counted in ClinVar's aggregate classification.

Dr. Peter K. Rogan Lab, Western University
No classification provided (evidence only). Condition: Familial cancer of breast. Review status: no classification provided. Collection method: in vitro. Allele origin: not applicable. Functional consequence: retained intron. Not counted in ClinVar's aggregate classification.

Dr. Peter K. Rogan Lab, Western University
No classification provided (evidence only). Condition: Acute myeloid leukemia. Review status: no classification provided. Collection method: in vitro. Allele origin: not applicable. Functional consequence: retained intron. Not counted in ClinVar's aggregate classification.

Dr. Peter K. Rogan Lab, Western University
No classification provided (evidence only). Condition: Cervical cancer. Review status: no classification provided. Collection method: in vitro. Allele origin: not applicable. Functional consequence: retained intron. Not counted in ClinVar's aggregate classification.

Dr. Peter K. Rogan Lab, Western University
No classification provided (evidence only). Condition: Sarcoma. Review status: no classification provided. Collection method: in vitro. Allele origin: not applicable. Functional consequence: retained intron. Not counted in ClinVar's aggregate classification.

Dr. Peter K. Rogan Lab, Western University
No classification provided (evidence only). Condition: Cholangiocarcinoma. Review status: no classification provided. Collection method: in vitro. Allele origin: not applicable. Functional consequence: retained intron. Not counted in ClinVar's aggregate classification.

Dr. Peter K. Rogan Lab, Western University
No classification provided (evidence only). Condition: Gastric cancer. Review status: no classification provided. Collection method: in vitro. Allele origin: not applicable. Functional consequence: retained intron. Not counted in ClinVar's aggregate classification.

Dr. Peter K. Rogan Lab, Western University
No classification provided (evidence only). Condition: Gastric cancer. Review status: no classification provided. Collection method: in vitro. Allele origin: not applicable. Functional consequence: retained intron. Not counted in ClinVar's aggregate classification.

Dr. Peter K. Rogan Lab, Western University
No classification provided (evidence only). Condition: Gastric cancer. Review status: no classification provided. Collection method: in vitro. Allele origin: not applicable. Functional consequence: retained intron. Not counted in ClinVar's aggregate classification.

Dr. Peter K. Rogan Lab, Western University
No classification provided (evidence only). Condition: Gastric cancer. Review status: no classification provided. Collection method: in vitro. Allele origin: not applicable. Functional consequence: retained intron. Not counted in ClinVar's aggregate classification.

Dr. Peter K. Rogan Lab, Western University
No classification provided (evidence only). Condition: Gastric cancer. Review status: no classification provided. Collection method: in vitro. Allele origin: not applicable. Functional consequence: retained intron. Not counted in ClinVar's aggregate classification.

Dr. Peter K. Rogan Lab, Western University
No classification provided (evidence only). Condition: Malignant tumor of esophagus. Review status: no classification provided. Collection method: in vitro. Allele origin: not applicable. Functional consequence: retained intron. Not counted in ClinVar's aggregate classification.

NM_005886.3(KATNB1):c.856-5T>G

Gene: KATNB1 (katanin regulatory subunit B1; plus strand). Cytogenetic location: 16q21.
Variant type: single nucleotide variant.
Coding change: c.856-5T>G on transcript NM_005886.3 (MANE Select); 5 bases into the intron before coding-DNA position 856, T replaced by G.
Molecular consequence: intron variant.
Genome position (GRCh38, 1-based): chr16:57,753,072, T>G. VCF-style: chr16-57753072-T-G. GRCh37 (hg19) VCF-style: chr16-57786984-T-G.
Identifiers: ClinVar variation 435544 (VCV000435544.49), dbSNP rs200584307, ClinGen allele CA8080930.
Genomic context (GRCh38, chr16:57,753,072, plus strand): 5'-ACACTGGGGCTGGGATTTTGCCCCCTCGGCTTGCAGTCCCAGCCCCACCTCTCCGCTTTC[T>G]GCAGATAGGTGTGGCCTTCTCCCAGAGCAACGTCTCCTCCTACGTGGTGGATCTGACGCG-3'